The following is an entry in ClinVar:

ClinVar aggregate classification (germline): VUS-high (1 of 4 stars; one submission).

Conditions:
Autosomal recessive titinopathy. Identifiers: MedGen CN315649, MONDO:0100493.

gnomAD v4.1: 4 of 1,611,570 alleles (0.00025%); highest among the groups gnomAD compares: Non-Finnish European, 0.00025%; no homozygotes.

Submission:

Myofin, Folkhalsan Research Center
Classification: VUS-high for Autosomal recessive titinopathy. Last evaluated: 2026-02-06. Review status: criteria provided, single submitter. Criteria: ACMG Guidelines, 2015. Collection method: research. Allele origin: germline. Affected: yes.
Comment: The variant is rare in population databases (MAF 0.000002482 in gnomAD; no homozygotes reported) and has a high deleterious computational prediction (AlphaMissense 0.9810). Given limited case-level evidence and lack of robust variant-level functional/replication data , we classify this variant as Uncertain significance (VUS-high) for recessive titinopathy.

Literature cited by the submitters: DOI 10.1101/2025.07.17.25331153.

NM_001267550.2(TTN):c.102200C>A (p.Ala34067Asp)

Genes: TTN (titin; minus strand), TTN-AS1 (TTN antisense RNA 1; plus strand). Cytogenetic location: 2q31.2.
Variant type: single nucleotide variant.
Coding change: c.102200C>A on transcript NM_001267550.2 (MANE Select); coding-DNA position 102200, C replaced by A.
Protein change: p.Ala34067Asp; replaces alanine 34067 with aspartic acid.
Molecular consequence: missense variant.
Genome position (GRCh38, 1-based): chr2:178,534,415, G>T on the plus strand (C>A on the coding strand, the complement: TTN is on the minus strand). VCF-style: chr2-178534415-G-T. GRCh37 (hg19) VCF-style: chr2-179399142-G-T.
Other names: c.97277C>A, p.Ala32426Asp (NM_001256850.1); c.75005C>A, p.Ala25002Asp (NM_003319.4); c.94496C>A, p.Ala31499Asp (NM_133378.4); c.75380C>A, p.Ala25127Asp (NM_133432.3); c.75581C>A, p.Ala25194Asp (NM_133437.4); short protein forms A34067D, A25002D, A25194D, A31499D, A32426D, A25127D.
Identifiers: ClinVar variation 4795238 (VCV004795238.1).